The following is an entry in ClinVar:

NM_002148.4(HOXD10):c.125A>G (p.Asp42Gly)

Gene: HOXD10 (homeobox D10; plus strand). Cytogenetic location: 2q31.1.
Variant type: single nucleotide variant.
Coding change: c.125A>G on transcript NM_002148.4 (MANE Select); coding-DNA position 125, A replaced by G.
Protein change: p.Asp42Gly; replaces aspartic acid 42 with glycine.
Molecular consequence: missense variant.
Genome position (GRCh38, 1-based): chr2:176,116,958, A>G. VCF-style: chr2-176116958-A-G. GRCh37 (hg19) VCF-style: chr2-176981686-A-G.
Other names: short protein forms D42G.
Identifiers: ClinVar variation 3063795 (VCV003063795.2), dbSNP rs749339605, ClinGen allele CA60872132.

ClinVar aggregate classification (germline): Uncertain significance. Review status: criteria provided, multiple submitters, no conflicts (2 of 4 stars). 2 submissions from 2 submitters: Uncertain significance (2). Last evaluated 2024-08-11.

Allele frequency attached by ClinVar (database versions not stated): gnomAD exomes 0.00002; gnomAD 0.00003; TOPMed 0.00003.
gnomAD v4.1: 30 of 1,614,076 alleles (0.0019%); highest among the groups gnomAD compares: Non-Finnish European, 0.0025%; no homozygotes.

Submissions (2):

Ambry Genetics
Classification: Uncertain significance. Last evaluated: 2024-08-11. Review status: criteria provided, single submitter. Criteria: Ambry Variant Classification Scheme 2023. Collection method: clinical testing. Allele origin: germline.

Women's Health and Genetics/Laboratory Corporation of America, LabCorp
Classification: Uncertain significance. Last evaluated: 2024-01-07. Review status: criteria provided, single submitter. Criteria: LabCorp Variant Classification Summary - May 2015. Collection method: clinical testing. Allele origin: germline.
Comment: Variant summary: HOXD10 c.125A>G (p.Asp42Gly) results in a non-conservative amino acid change in the encoded protein sequence. Three of five in-silico tools predict a damaging effect of the variant on protein function. The variant allele was found at a frequency of 8e-06 in 251460 control chromosomes (gnomAD). The available data on variant occurrences in the general population are insufficient to allow any conclusion about variant significance. To our knowledge, no occurrence of c.125A>G in individuals affected with HOXD10-RD and no experimental evidence demonstrating its impact on protein function have been reported. No submitters have cited clinical-significance assessments for this variant to ClinVar. Based on the evidence outlined above, the variant was classified as uncertain significance.